The following is an entry in ClinVar:

ClinVar aggregate classification (germline): Uncertain significance. Review status: criteria provided, multiple submitters, no conflicts (2 of 4 stars). 3 submissions from 3 submitters: Uncertain significance (3). Last evaluated 2024-10-28.

Conditions:
Inborn genetic diseases. Identifiers: MedGen C0950123, MeSH D030342.
Autosomal systemic lupus erythematosus type 16. Also called: Systemic lupus erythematosus 16. Identifiers: Orphanet 300345, MedGen C3280742, MONDO:0013743, OMIM 614420.

Allele frequency attached by ClinVar (database versions not stated): ExAC 0.00007; gnomAD exomes 0.00007; ESP Exome Variant Server 0.00008.

Submissions (3):

Ambry Genetics
Classification: Uncertain significance for Inborn genetic diseases. Last evaluated: 2024-10-28. Review status: criteria provided, single submitter. Criteria: Ambry Variant Classification Scheme 2023. Collection method: clinical testing. Allele origin: germline.

Fulgent Genetics
Classification: Uncertain significance for Autosomal systemic lupus erythematosus type 16. Last evaluated: 2024-06-13. Review status: criteria provided, single submitter. Criteria: ACMG Guidelines, 2015. Collection method: clinical testing. Allele origin: germline.

Labcorp Genetics (formerly Invitae), Labcorp
Classification: Uncertain significance. Last evaluated: 2024-03-19. Review status: criteria provided, single submitter. Criteria: Invitae Variant Classification Sherloc (09022015). Collection method: clinical testing. Allele origin: germline.
Comment: This sequence change replaces glutamic acid, which is acidic and polar, with lysine, which is basic and polar, at codon 33 of the DNASE1L3 protein (p.Glu33Lys). This variant is present in population databases (rs201136542, gnomAD 0.01%). This variant has not been reported in the literature in individuals affected with DNASE1L3-related conditions. ClinVar contains an entry for this variant (Variation ID: 1414287). Algorithms developed to predict the effect of missense changes on protein structure and function output the following: SIFT: "Not Available"; PolyPhen-2: "Benign"; Align-GVGD: "Not Available". The lysine amino acid residue is found in multiple mammalian species, which suggests that this missense change does not adversely affect protein function. In summary, the available evidence is currently insufficient to determine the role of this variant in disease. Therefore, it has been classified as a Variant of Uncertain Significance.

NM_004944.4(DNASE1L3):c.97G>A (p.Glu33Lys)

Gene: DNASE1L3 (deoxyribonuclease 1L3; minus strand). Cytogenetic location: 3p14.3.
Variant type: single nucleotide variant.
Coding change: c.97G>A on transcript NM_004944.4 (MANE Select); coding-DNA position 97, G replaced by A.
Protein change: p.Glu33Lys; replaces glutamic acid 33 with lysine.
Molecular consequence: missense variant.
Genome position (GRCh38, 1-based): chr3:58,210,810, C>T on the plus strand (G>A on the coding strand, the complement: DNASE1L3 is on the minus strand). VCF-style: chr3-58210810-C-T. GRCh37 (hg19) VCF-style: chr3-58196537-C-T.
Other names: c.97G>A, p.Glu33Lys (NM_001256560.2); c.97G>A (NM_004944.2); short protein forms E33K.
Identifiers: ClinVar variation 1414287 (VCV001414287.7), dbSNP rs201136542, ClinGen allele CA2470129.